The following is an entry in ClinVar:

NM_005359.6(SMAD4):c.546C>T (p.Ile182=)

Gene: SMAD4 (SMAD family member 4; plus strand). Cytogenetic location: 18q21.2.
Variant type: single nucleotide variant.
Coding change: c.546C>T on transcript NM_005359.6 (MANE Select); coding-DNA position 546, C replaced by T.
Protein change: p.Ile182=; no amino-acid change (isoleucine 182 retained).
Molecular consequence: synonymous variant.
Genome position (GRCh38, 1-based): chr18:51,054,872, C>T. VCF-style: chr18-51054872-C-T. GRCh37 (hg19) VCF-style: chr18-48581242-C-T.
Identifiers: ClinVar variation 1088533 (VCV001088533.10), dbSNP rs1599186890, ClinGen allele CA503873717.

ClinVar aggregate classification (germline): Benign/Likely benign. Review status: criteria provided, multiple submitters, no conflicts (2 of 4 stars). 2 submissions from 2 submitters: Benign (1); Likely benign (1). Last evaluated 2025-03-19.

Conditions:
Juvenile polyposis syndrome (JPS). Identifiers: Orphanet 2929, MedGen C0345893, MONDO:0017380, OMIM 174900.
Juvenile polyposis/hereditary hemorrhagic telangiectasia syndrome (JPHT). Also called: JP/HHT SYNDROME; JUVENILE POLYPOSIS WITH HEREDITARY HEMORRHAGIC TELANGIECTASIA; POLYPOSIS, GENERALIZED JUVENILE, WITH PULMONARY ARTERIOVENOUS MALFORMATION; TELANGIECTASIA, HEREDITARY HEMORRHAGIC, WITH JUVENILE POLYPOSIS COLI; Juvenile Polyposis Syndrome / Hereditary Hemorrhagic Telangiectasia (JPS/HHT). Identifiers: Orphanet 2929, MedGen C1832942, MONDO:0008278, OMIM 175050.

Submissions (2):

Myriad Genetics, Inc.
Classification: Benign for Juvenile polyposis/hereditary hemorrhagic telangiectasia syndrome. Last evaluated: 2025-03-19. Review status: criteria provided, single submitter. Criteria: Myriad Autosomal Dominant, Autosomal Recessive and X-Linked Classification Criteria (2023). Collection method: clinical testing. Allele origin: unknown.
Comment: This variant is considered benign. This variant is a silent/synonymous amino acid change and it is not expected to impact splicing.

Labcorp Genetics (formerly Invitae), Labcorp
Classification: Likely benign for Juvenile polyposis syndrome. Last evaluated: 2024-03-05. Review status: criteria provided, single submitter. Criteria: Invitae Variant Classification Sherloc (09022015). Collection method: clinical testing. Allele origin: germline.